The following is an entry in ClinVar:

NM_017950.4(CCDC40):c.1068G>A (p.Ser356=)

Gene: CCDC40 (coiled-coil domain 40 molecular ruler complex subunit; plus strand). Cytogenetic location: 17q25.3.
Variant type: single nucleotide variant.
Coding change: c.1068G>A on transcript NM_017950.4 (MANE Select); coding-DNA position 1068, G replaced by A.
Protein change: p.Ser356=; no amino-acid change (serine 356 retained).
Molecular consequence: synonymous variant.
Genome position (GRCh38, 1-based): chr17:80,050,192, G>A. VCF-style: chr17-80050192-G-A. GRCh37 (hg19) VCF-style: chr17-78023991-G-A.
Other names: c.1068G>A, p.Ser356= (NM_001243342.2, NM_001330508.2).
Identifiers: ClinVar variation 454874 (VCV000454874.13), dbSNP rs377156300, ClinGen allele CA8813675.

ClinVar aggregate classification (germline): Likely benign. Review status: criteria provided, multiple submitters, no conflicts (2 of 4 stars). 3 submissions from 3 submitters: Likely benign (3). Last evaluated 2025-11-08.

Conditions:
Primary ciliary dyskinesia. Also called: Ciliary dyskinesia. Identifiers: Orphanet 244, MedGen C0008780, MONDO:0016575, HP:0012265.

Allele frequency attached by ClinVar (database versions not stated): gnomAD 0.00008; TOPMed 0.00010; ExAC 0.00015; 1000 Genomes Project 30x 0.00016; ESP Exome Variant Server 0.00016; 1000 Genomes Project 0.00020.
gnomAD v4.1: 277 of 1,612,084 alleles (0.017%); highest among the groups gnomAD compares: Non-Finnish European, 0.023%; 1 homozygote.

Submissions (3):

Labcorp Genetics (formerly Invitae), Labcorp
Classification: Likely benign for Primary ciliary dyskinesia. Last evaluated: 2025-11-08. Review status: criteria provided, single submitter. Criteria: Invitae Variant Classification Sherloc (09022015). Collection method: clinical testing. Allele origin: germline.

Ambry Genetics
Classification: Likely benign for Primary ciliary dyskinesia. Last evaluated: 2023-10-23. Review status: criteria provided, single submitter. Criteria: Ambry Variant Classification Scheme 2023. Collection method: clinical testing. Allele origin: germline.

Laboratory for Molecular Medicine, Mass General Brigham Personalized Medicine
Classification: Likely benign. Last evaluated: 2017-09-22. Review status: criteria provided, single submitter. Criteria: LMM Criteria. Collection method: clinical testing. Allele origin: germline. Observed: 1 variant allele.
Comment: p.Ser356Ser in exon 7 of CCDC40: This variant is not expected to have clinical s ignificance because it does not alter an amino acid residue and is not located w ithin the splice consensus sequence. It has been identified in 26/124468 Europea n chromosomes by the Genome Aggregation Database (gnomAD; dbSNP rs377156300).